The following is an entry in ClinVar:

NM_152703.5(SAMD9L):c.3820T>C (p.Tyr1274His)

Gene: SAMD9L (sterile alpha motif domain containing 9 like; minus strand). Cytogenetic location: 7q21.2.
Variant type: single nucleotide variant.
Coding change: c.3820T>C on transcript NM_152703.5 (MANE Select); coding-DNA position 3820, T replaced by C.
Protein change: p.Tyr1274His; replaces tyrosine 1274 with histidine.
Molecular consequence: missense variant.
Genome position (GRCh38, 1-based): chr7:93,132,152, A>G on the plus strand (T>C on the coding strand, the complement: SAMD9L is on the minus strand). VCF-style: chr7-93132152-A-G. GRCh37 (hg19) VCF-style: chr7-92761465-A-G.
Other names: c.3820T>C, p.Tyr1274His (NM_001303496.3, NM_001303497.3, NM_001303498.3 and 5 more transcripts); short protein forms Y1274H.
Identifiers: ClinVar variation 4863921 (VCV004863921.1).

ClinVar aggregate classification (germline): Uncertain significance (1 of 4 stars; one submission).

Conditions:
Inborn genetic diseases. Identifiers: MedGen C0950123, MeSH D030342.

Submission:

Ambry Genetics
Classification: Uncertain significance for Inborn genetic diseases. Last evaluated: 2026-03-30. Review status: criteria provided, single submitter. Criteria: Ambry Variant Classification Scheme 2023. Collection method: clinical testing. Allele origin: germline.
Comment: The p.Y1274H variant (also known as c.3820T>C), located in coding exon 1 of the SAMD9L gene, results from a T to C substitution at nucleotide position 3820. The tyrosine at codon 1274 is replaced by histidine, an amino acid with similar properties. This amino acid position is conserved. In addition, the in silico prediction for this alteration is inconclusive. Based on the available evidence, the clinical significance of this variant remains unclear.